The following is an entry in ClinVar:

ClinVar aggregate classification (germline): Conflicting classifications of pathogenicity. Review status: criteria provided, conflicting classifications (1 of 4 stars). 3 submissions from 3 submitters: Uncertain significance (1); Likely benign (2). Last evaluated 2024-09-12.

Allele frequency attached by ClinVar (database versions not stated): gnomAD 0.00023 and 0.00026; gnomAD exomes 0.00027 and 0.00047; TOPMed 0.00029; ExAC 0.00031; ESP Exome Variant Server 0.00057.
gnomAD v4.1: 348 of 1,209,388 alleles (0.029%); highest among the groups gnomAD compares: Middle Eastern, 0.37%; 1 homozygote.

Submissions (3):

Blueprint Genetics
Classification: Likely benign. Last evaluated: 2024-09-12. Review status: criteria provided, single submitter. Criteria: ACMG Guidelines, 2015. Collection method: clinical testing. Allele origin: germline.

CeGaT Center for Human Genetics Tuebingen
Classification: Likely benign. Last evaluated: 2023-01-01. Review status: criteria provided, single submitter. Criteria: CeGaT Center For Human Genetics Tuebingen Variant Classification Criteria Version 2. Collection method: clinical testing. Allele origin: germline. Affected: yes. Observed: 1 variant allele.
Comment: NLGN4X: BP4, BP7, BS2

Eurofins Ntd Llc (ga)
Classification: Uncertain significance. Last evaluated: 2013-10-13. Review status: criteria provided, single submitter. Criteria: EGL Classification Definitions 2015. Collection method: clinical testing. Allele origin: germline. Observed: 1 variant allele, 1 heterozygote.

NM_181332.3(NLGN4X):c.1305G>A (p.Thr435=)

Gene: NLGN4X (neuroligin 4 X-linked; minus strand). Cytogenetic location: Xp22.32.
Variant type: single nucleotide variant.
Coding change: c.1305G>A on transcript NM_181332.3 (MANE Select); coding-DNA position 1305, G replaced by A.
Protein change: p.Thr435=; no amino-acid change (threonine 435 retained).
Molecular consequence: synonymous variant.
Genome position (GRCh38, 1-based): chrX:5,903,373, C>T on the plus strand (G>A on the coding strand, the complement: NLGN4X is on the minus strand). VCF-style: chrX-5903373-C-T. GRCh37 (hg19) VCF-style: chrX-5821414-C-T.
Other names: c.1305G>A, p.Thr435= (NM_001282145.2, NM_001282146.2, NM_020742.4).
Identifiers: ClinVar variation 95978 (VCV000095978.30), dbSNP rs149512448, ClinGen allele CA223598.